The following is an entry in ClinVar:

NM_006767.4(LZTR1):c.1895A>C (p.Lys632Thr)

Gene: LZTR1 (leucine zipper like post translational regulator 1; plus strand). Cytogenetic location: 22q11.21.
Variant type: single nucleotide variant.
Coding change: c.1895A>C on transcript NM_006767.4 (MANE Select); coding-DNA position 1895, A replaced by C.
Protein change: p.Lys632Thr; replaces lysine 632 with threonine.
Molecular consequence: missense variant.
Genome position (GRCh38, 1-based): chr22:20,994,979, A>C. VCF-style: chr22-20994979-A-C. GRCh37 (hg19) VCF-style: chr22-21349268-A-C.
Other names: short protein forms K632T.
Identifiers: ClinVar variation 3238162 (VCV003238162.1), dbSNP rs2518622589.

ClinVar aggregate classification (germline): Uncertain significance (1 of 4 stars; one submission).

Conditions:
Hereditary cancer-predisposing syndrome. Also called: Neoplastic Syndromes, Hereditary; Tumor predisposition; Hereditary neoplastic syndrome; Hereditary Cancer Syndrome. Identifiers: Orphanet 140162, MedGen C0027672, MeSH D009386, MONDO:0015356.
Cardiovascular phenotype. Identifiers: MedGen CN230736.

Submission:

Ambry Genetics
Classification: Uncertain significance for Cardiovascular phenotype; Hereditary cancer-predisposing syndrome. Last evaluated: 2023-04-19. Review status: criteria provided, single submitter. Criteria: Ambry Variant Classification Scheme 2023. Collection method: clinical testing. Allele origin: germline.
Comment: The p.K632T variant (also known as c.1895A>C), located in coding exon 16 of the LZTR1 gene, results from an A to C substitution at nucleotide position 1895. The lysine at codon 632 is replaced by threonine, an amino acid with similar properties. This amino acid position is conserved. In addition, this alteration is predicted to be tolerated by in silico analysis. Since supporting evidence is limited at this time, the clinical significance of this alteration remains unclear.